The following is an entry in ClinVar:

NM_001009944.3(PKD1):c.6572G>A (p.Arg2191His)

Gene: PKD1 (polycystin 1, transient receptor potential channel interacting; minus strand). Cytogenetic location: 16p13.3.
Variant type: single nucleotide variant.
Coding change: c.6572G>A on transcript NM_001009944.3 (MANE Select); coding-DNA position 6572, G replaced by A.
Protein change: p.Arg2191His; replaces arginine 2191 with histidine.
Molecular consequence: missense variant.
Genome position (GRCh38, 1-based): chr16:2,108,595, C>T on the plus strand (G>A on the coding strand, the complement: PKD1 is on the minus strand). VCF-style: chr16-2108595-C-T. GRCh37 (hg19) VCF-style: chr16-2158596-C-T.
Other names: c.6572G>A, p.Arg2191His (NM_000296.4); c.6572G>A (NM_001009944.2); short protein forms R2191H.
Identifiers: ClinVar variation 997392 (VCV000997392.26), dbSNP rs774490045, ClinGen allele CA7831561.

ClinVar aggregate classification (germline): Likely benign. Review status: criteria provided, multiple submitters, no conflicts (2 of 4 stars). 3 submissions from 3 submitters: Likely benign (2). 1 of the submissions does not count toward it. Last evaluated 2026-07-15.

Conditions:
PKD1-related disorder. Also called: PKD1-related condition.
Polycystic kidney disease. Also called: Kidney, Polycystic; Polycystic kidney dysplasia. Identifiers: MedGen C0022680, MeSH D007690, MONDO:0020642, HP:0000113.

Allele frequency attached by ClinVar (database versions not stated): TOPMed 0.00009; gnomAD 0.00011 and 0.00012; ExAC 0.00016.
gnomAD v4.1: 193 of 1,557,844 alleles (0.012%); highest among the groups gnomAD compares: Middle Eastern, 0.046%; no homozygotes.

Submissions (3):

PreventionGenetics, part of Exact Sciences
Classification: Likely benign for PKD1-related condition. Last evaluated: 2026-07-15. Review status: criteria provided, single submitter. Criteria: ACMG Guidelines, 2015. Collection method: clinical testing. Allele origin: germline.
Comment: This variant is classified as likely benign based on ACMG/AMP sequence variant interpretation guidelines (Richards et al. 2015 PMID: 25741868, with internal and published modifications).

CeGaT Center for Human Genetics Tuebingen
Classification: Likely benign. Last evaluated: 2023-10-01. Review status: criteria provided, single submitter. Criteria: CeGaT Center For Human Genetics Tuebingen Variant Classification Criteria Version 2. Collection method: clinical testing. Allele origin: germline. Affected: yes. Observed: 1 variant allele.
Comment: PKD1: BP4

Department of Pathology and Laboratory Medicine, Sinai Health System
Classification: Likely benign for Polycystic Kidney disease. Review status: no assertion criteria provided. Collection method: clinical testing. Allele origin: unknown. Affected: yes. Study: The Canadian Open Genetics Repository (COGR). Not counted in ClinVar's aggregate classification.
Comment: The PKD1 p.Arg2191His variant was not identified in the literature. The variant was identified in dbSNP (ID: rs774490045) as â€šÃ„ÃºNAâ€šÃ„Ã¹, and the ADPKD Mutation Database (as likely benign). This variant was also identified in the Exome Aggregation Consortium database (August 8, 2016) in 4 of 10618 chromosomes (freq. 0.0004) in the European (Non-Finnish) population, but was not seen in African, East Asian, Finnish, Latino, or South Asian populations, increasing the likelihood that this may be a low frequency benign variant in certain populations of origin. In addition we cannot be certain that data from control databases is specific to PKD1 and not from one of the six PKD1 pseudogenes. The variant was not identified in Clinvitae, ClinVar, GeneInsight COGR, MutDB, PKD1-LOVD, and PKD1-LOVD 3.0 databases. The p.Arg2191 residue is conserved in mammals but is not conserved in more distantly related organisms and computational analyses (PolyPhen-2, SIFT, AlignGVGD, BLOSUM, MutationTaster) provide inconsistent predictions regarding the impact to the protein; this information is not very predictive of pathogenicity. The variant occurs outside of the splicing consensus sequence and in silico or computational prediction software programs (SpliceSiteFinder, MaxEntScan, NNSPLICE, GeneSplicer, HumanSpliceFinder) do not predict a difference in splicing. The variant was identified with a co-occurring pathogenic PKD1 variant p.Leu56ProfsX60, increasing the likelihood that the p.Arg2191His variant does not have clinical significance. In summary, based on the above information, the clinical significance of this variant cannot be determined with certainty at this time although we would lean towards a more benign role for this variant. This variant is classified as likely benign.